The following is an entry in ClinVar:

ClinVar aggregate classification (germline): Likely benign (1 of 4 stars; one submission).

Submission:

GeneDx
Classification: Likely benign. Last evaluated: 2022-08-17. Review status: criteria provided, single submitter. Criteria: GeneDx Variant Classification Process June 2021. Collection method: clinical testing. Allele origin: germline. Affected: yes.
Comment: See Variant Classification Assertion Criteria.

NM_017755.6(NSUN2):c.816-13_816-12del

Gene: NSUN2 (NOP2/Sun RNA methyltransferase 2; minus strand). Cytogenetic location: 5p15.31.
Variant type: Microsatellite.
Coding change: c.816-13_816-12del on transcript NM_017755.6 (MANE Select); 13 bases into the intron before coding-DNA position 816 through 12 bases into the intron before coding-DNA position 816, 2 bases deleted (AT; older notation c.816-13_816-12delAT).
Molecular consequence: intron variant.
Genome position (GRCh38, 1-based): chr5:6,618,036-6,618,037, AT deleted on the plus strand (AT on the coding strand, the reverse complement: NSUN2 is on the minus strand); deleting any 2 consecutive bases within chr5:6,618,036-6,618,039 gives the same sequence; the c. name uses the placement nearest the transcript's 3' end. VCF-style (leftmost placement, unchanged base first): chr5-6618035-GAT-G. GRCh37 (hg19) VCF-style: chr5-6618148-GAT-G.
Other names: c.711-13_711-12del (NM_001193455.2).
Identifiers: ClinVar variation 1700717 (VCV001700717.3), dbSNP rs778913795, ClinGen allele CA3192654.